The following is an entry in ClinVar:

ClinVar aggregate classification (germline): Pathogenic (1 of 4 stars; one submission).

Submission:

Labcorp Genetics (formerly Invitae), Labcorp
Classification: Pathogenic. Last evaluated: 2021-12-24. Review status: criteria provided, single submitter. Criteria: Invitae Variant Classification Sherloc (09022015). Collection method: clinical testing. Allele origin: germline.
Comment: For these reasons, this variant has been classified as Pathogenic. This variant has not been reported in the literature in individuals affected with CDH23-related conditions. This variant is not present in population databases (gnomAD no frequency). This sequence change creates a premature translational stop signal (p.Phe2663Leufs*56) in the CDH23 gene. It is expected to result in an absent or disrupted protein product. Loss-of-function variants in CDH23 are known to be pathogenic (PMID: 11138009, 21940737).

Literature cited by the submitters: PubMed 11138009; PubMed 21940737.

NM_022124.6(CDH23):c.7985_7988dup (p.Phe2663fs)

Genes: CDH23 (cadherin related 23; plus strand), LOC111982869 (Sharpr-MPRA regulatory region 2121; plus strand). Cytogenetic location: 10q22.1.
Variant type: Duplication.
Coding change: c.7985_7988dup on transcript NM_022124.6 (MANE Select); coding-DNA positions 7985 to 7988, 4 bases duplicated (AGTT; older notation c.7985_7988dupAGTT).
Protein change: p.Phe2663fs; shifts the reading frame from phenylalanine 2663.
Molecular consequence: frameshift variant.
Genome position (GRCh38, 1-based): chr10:71,805,918-71,805,921, AGTT duplicated. VCF-style (leftmost placement, unchanged base first): chr10-71805917-G-GAGTT. GRCh37 (hg19) VCF-style: chr10-73565674-G-GAGTT.
Other names: c.1265_1268dup, p.Phe423fs (NM_001171933.1, NM_001171934.1); short protein forms F2663fs, F423fs.
Identifiers: ClinVar variation 2057923 (VCV002057923.4), dbSNP rs2494427004, ClinGen allele CA2580081913.